The following is an entry in ClinVar:

ClinVar aggregate classification (germline): Conflicting classifications of pathogenicity. Review status: criteria provided, conflicting classifications (1 of 4 stars). 6 submissions from 6 submitters: Uncertain significance (4); Likely benign (2). Last evaluated 2026-01-14.

Conditions:
Inborn genetic diseases. Identifiers: MedGen C0950123, MeSH D030342.
LAMA2-related muscular dystrophy (LAMA2-RD). Also called: Laminin alpha 2-related dystrophy. Identifiers: MedGen C5679788, MONDO:0100228.

Allele frequency attached by ClinVar (database versions not stated): ExAC 0.00007; ESP Exome Variant Server 0.00008; gnomAD exomes 0.00009; gnomAD 0.00014 and 0.00016; 1000 Genomes Project 30x 0.00016; 1000 Genomes Project 0.00020; TOPMed 0.00020.
gnomAD v4.1: 192 of 1,613,856 alleles (0.012%); highest among the groups gnomAD compares: Non-Finnish European, 0.014%; no homozygotes.

Submissions (6):

Labcorp Genetics (formerly Invitae), Labcorp
Classification: Likely benign for LAMA2-related muscular dystrophy. Last evaluated: 2026-01-14. Review status: criteria provided, single submitter. Criteria: Invitae Variant Classification Sherloc (09022015). Collection method: clinical testing. Allele origin: germline.

Revvity Omics, Revvity
Classification: Uncertain significance. Last evaluated: 2024-12-10. Review status: criteria provided, single submitter. Criteria: ACMG Guidelines, 2015. Collection method: clinical testing. Allele origin: germline.

Ambry Genetics
Classification: Uncertain significance for Inborn genetic diseases. Last evaluated: 2023-04-06. Review status: criteria provided, single submitter. Criteria: Ambry Variant Classification Scheme 2023. Collection method: clinical testing. Allele origin: germline.

CeGaT Center for Human Genetics Tuebingen
Classification: Likely benign. Last evaluated: 2022-10-01. Review status: criteria provided, single submitter. Criteria: CeGaT Center For Human Genetics Tuebingen Variant Classification Criteria Version 2. Collection method: clinical testing. Allele origin: germline. Affected: yes. Observed: 2 variant alleles.
Comment: LAMA2: BP4

GeneDx
Classification: Uncertain significance. Last evaluated: 2020-04-10. Review status: criteria provided, single submitter. Criteria: GeneDx Variant Classification Process June 2021. Collection method: clinical testing. Allele origin: germline. Affected: yes.
Comment: Has not been previously published as pathogenic or benign to our knowledge; In silico analysis supports that this missense variant has a deleterious effect on protein structure/function

Athena Diagnostics
Classification: Uncertain significance. Last evaluated: 2018-08-22. Review status: criteria provided, single submitter. Criteria: Athena Diagnostics Criteria. Collection method: clinical testing. Allele origin: germline.

NM_000426.4(LAMA2):c.5291A>G (p.Glu1764Gly)

Gene: LAMA2 (laminin subunit alpha 2; plus strand). Cytogenetic location: 6q22.33.
Variant type: single nucleotide variant.
Coding change: c.5291A>G on transcript NM_000426.4 (MANE Select); coding-DNA position 5291, A replaced by G.
Protein change: p.Glu1764Gly; replaces glutamic acid 1764 with glycine.
Molecular consequence: missense variant.
Genome position (GRCh38, 1-based): chr6:129,393,101, A>G. VCF-style: chr6-129393101-A-G. GRCh37 (hg19) VCF-style: chr6-129714246-A-G.
Other names: c.5291A>G, p.Glu1764Gly (NM_001079823.2); short protein forms E1764G.
Identifiers: ClinVar variation 432756 (VCV000432756.54), dbSNP rs141950826, ClinGen allele CA3993839.